The following is an entry in ClinVar:

ClinVar aggregate classification (germline): Benign. Review status: criteria provided, multiple submitters, no conflicts (2 of 4 stars). 3 submissions from 3 submitters: Benign (2). 1 of the submissions does not count toward it. Last evaluated 2018-02-20.

Conditions:
IQSEC1-related disorder. Also called: IQSEC1-related condition.

Allele frequency attached by ClinVar (database versions not stated): gnomAD exomes 0.00010 and 0.00025; ExAC 0.00032; gnomAD 0.00105 and 0.00113; TOPMed 0.00113; 1000 Genomes Project 30x 0.00125; 1000 Genomes Project 0.00160.
gnomAD v4.1: 311 of 1,546,348 alleles (0.02%); highest among the groups gnomAD compares: African/African-American, 0.39%; 1 homozygote.

Submissions (3):

Labcorp Genetics (formerly Invitae), Labcorp
Classification: Benign. Last evaluated: 2018-02-20. Review status: criteria provided, single submitter. Criteria: Invitae Variant Classification Sherloc (09022015). Collection method: clinical testing. Allele origin: germline.

Breakthrough Genomics
Classification: Benign. Review status: criteria provided, single submitter. Criteria: ACMG Guidelines, 2015. Collection method: not provided. Allele origin: germline. Inheritance: Autosomal recessive inheritance. Affected: yes.

PreventionGenetics, part of Exact Sciences
Classification: Likely benign for IQSEC1-related condition. Last evaluated: 2022-12-22. Review status: no assertion criteria provided. Collection method: clinical testing. Allele origin: germline. Not counted in ClinVar's aggregate classification.
Comment: This variant is classified as likely benign based on ACMG/AMP sequence variant interpretation guidelines (Richards et al. 2015 PMID: 25741868, with internal and published modifications).

NM_001134382.3(IQSEC1):c.3039G>A (p.Leu1013=)

Gene: IQSEC1 (IQ motif and Sec7 domain ArfGEF 1; minus strand). Cytogenetic location: 3p25.2.
Variant type: single nucleotide variant.
Coding change: c.3039G>A on transcript NM_001134382.3 (MANE Select); coding-DNA position 3039, G replaced by A.
Protein change: p.Leu1013=; no amino-acid change (leucine 1013 retained).
Molecular consequence: synonymous variant. On other transcripts: 3 prime UTR variant (1), intron variant (1).
Genome position (GRCh38, 1-based): chr3:12,901,289, C>T on the plus strand (G>A on the coding strand, the complement: IQSEC1 is on the minus strand). VCF-style: chr3-12901289-C-T. GRCh37 (hg19) VCF-style: chr3-12942788-C-T.
Other names: c.*220G>A (NM_001330619.3); c.3363G>A, p.Leu1121= (NM_001376938.2); c.2847+1484G>A (NM_014869.8).
Identifiers: ClinVar variation 734117 (VCV000734117.6), dbSNP rs573868764, ClinGen allele CA2261775.